The following is an entry in ClinVar:

NM_001276270.2(MBD4):c.1146G>A (p.Met382Ile)

Gene: MBD4 (methyl-CpG binding domain 4, DNA glycosylase; minus strand). Cytogenetic location: 3q21.3.
Variant type: single nucleotide variant.
Coding change: c.1146G>A on transcript NM_001276270.2 (MANE Select); coding-DNA position 1146, G replaced by A.
Protein change: p.Met382Ile; replaces methionine 382 with isoleucine.
Molecular consequence: missense variant. On other transcripts: intron variant (1).
Genome position (GRCh38, 1-based): chr3:129,436,498, C>T on the plus strand (G>A on the coding strand, the complement: MBD4 is on the minus strand). VCF-style: chr3-129436498-C-T. GRCh37 (hg19) VCF-style: chr3-129155341-C-T.
Other names: c.1146G>A, p.Met382Ile (NM_001276271.2, NM_001276272.2, NM_003925.3); c.247+1310G>A (NM_001276273.2); short protein forms M382I.
Identifiers: ClinVar variation 5024038 (VCV005024038.1).

ClinVar aggregate classification (germline): Uncertain significance (1 of 4 stars; one submission).

Conditions:
Inborn genetic diseases. Identifiers: MedGen C0950123, MeSH D030342.

Submission:

Ambry Genetics
Classification: Uncertain significance for Inborn genetic diseases. Last evaluated: 2026-08-20. Review status: criteria provided, single submitter. Criteria: Ambry Variant Classification Scheme 2023. Collection method: clinical testing. Allele origin: germline.
Comment: The p.M382I variant (also known as c.1146G>A), located in coding exon 3 of the MBD4 gene, results from a G to A substitution at nucleotide position 1146. The methionine at codon 382 is replaced by isoleucine, an amino acid with highly similar properties. This amino acid position is conserved. In addition, this alteration is predicted to be tolerated by in silico analysis. Based on the available evidence, the clinical significance of this variant remains unclear.